The following is an entry in ClinVar:

ClinVar aggregate classification (germline): Pathogenic (1 of 4 stars; one submission).

Conditions:
Marfan syndrome (MFS). Also called: MARFAN SYNDROME, TYPE I; Marfan syndrome type 1; Marfan's syndrome; Marfan syndrome, classic; FBN1-Related Marfan Syndrome. Identifiers: Orphanet 284963, Orphanet 558, MedGen C0024796, MONDO:0007947, OMIM 154700.
Familial thoracic aortic aneurysm and aortic dissection (TAAD). Also called: Thoracic aortic aneurysms and dissections. Identifiers: Orphanet 91387, MedGen C4707243, MONDO:0019625.

Submission:

Labcorp Genetics (formerly Invitae), Labcorp
Classification: Pathogenic for Marfan syndrome; Familial thoracic aortic aneurysm and aortic dissection. Last evaluated: 2023-11-17. Review status: criteria provided, single submitter. Criteria: Invitae Variant Classification Sherloc (09022015). Collection method: clinical testing. Allele origin: germline.
Comment: This sequence change creates a premature translational stop signal (p.Ser2352Profs*46) in the FBN1 gene. It is expected to result in an absent or disrupted protein product. Loss-of-function variants in FBN1 are known to be pathogenic (PMID: 17657824, 19293843). This variant is not present in population databases (gnomAD no frequency). This variant has not been reported in the literature in individuals affected with FBN1-related conditions. For these reasons, this variant has been classified as Pathogenic.

Literature cited by the submitters: PubMed 17657824; PubMed 19293843.

NM_000138.5(FBN1):c.7054del (p.Ser2352fs)

Gene: FBN1 (fibrillin 1; minus strand). Cytogenetic location: 15q21.1.
Variant type: Deletion.
Coding change: c.7054del on transcript NM_000138.5 (MANE Select); coding-DNA position 7054, one base deleted (T; older notation c.7054delT).
Protein change: p.Ser2352fs; shifts the reading frame from serine 2352.
Molecular consequence: frameshift variant.
Genome position (GRCh38, 1-based): chr15:48,427,717, A deleted on the plus strand (T on the coding strand, the reverse complement: FBN1 is on the minus strand). VCF-style (leftmost placement, unchanged base first): chr15-48427716-GA-G. GRCh37 (hg19) VCF-style: chr15-48719913-GA-G.
Other names: c.7054del, p.Ser2352fs (NM_001406716.1); short protein forms S2352fs.
Identifiers: ClinVar variation 2953980 (VCV002953980.3), dbSNP rs2505412622, ClinGen allele CA2740096559.